The following is an entry in ClinVar:

NM_001083962.2(TCF4):c.1239_1246del (p.Gly416fs)

Gene: TCF4 (transcription factor 4; minus strand). Cytogenetic location: 18q21.2.
Variant type: Deletion.
Coding change: c.1239_1246del on transcript NM_001083962.2 (MANE Select); coding-DNA positions 1239 to 1246, 8 bases deleted (TGGTCATG; older notation c.1239_1246delTGGTCATG).
Protein change: p.Gly416fs; shifts the reading frame from glycine 416.
Molecular consequence: frameshift variant.
Genome position (GRCh38, 1-based): chr18:55,254,601-55,254,608, CATGACCA deleted on the plus strand (TGGTCATG on the coding strand, the reverse complement: TCF4 is on the minus strand); deleting any 8 consecutive bases within chr18:55,254,601-55,254,609 gives the same sequence; the c. name uses the placement nearest the transcript's 3' end. VCF-style (leftmost placement, unchanged base first): chr18-55254600-CCATGACCA-C. GRCh37 (hg19) VCF-style: chr18-52921831-CCATGACCA-C.
Other names: c.1545_1552del, p.Gly518fs (NM_001243226.3); c.1167_1174del, p.Gly392fs (NM_001243227.2, NM_001306207.1, NM_001348217.1 and 5 more transcripts); c.1257_1264del, p.Gly422fs (NM_001243228.2); c.1230_1237del, p.Gly413fs (NM_001243230.2); c.1113_1120del, p.Gly374fs (NM_001243231.2, NM_001348211.2); c.1026_1033del, p.Gly345fs (NM_001243232.1, NM_001306208.1); c.849_856del, p.Gly286fs (NM_001243233.2, NM_001330605.3, NM_001348212.2 and 1 more transcripts); c.759_766del, p.Gly256fs (NM_001243234.2, NM_001243235.2, NM_001243236.2 and 1 more transcripts); and 6 more; short protein forms G374fs, G518fs, G391fs, G392fs, G415fs, G422fs, G200fs, G286fs.
Identifiers: ClinVar variation 2808889 (VCV002808889.3), dbSNP rs2512110932, ClinGen allele CA2739265772.

ClinVar aggregate classification (germline): Pathogenic (1 of 4 stars; one submission).

Conditions:
Pitt-Hopkins syndrome (PTHS). Also called: ENCEPHALOPATHY, SEVERE EPILEPTIC, WITH AUTONOMIC DYSFUNCTION; MENTAL RETARDATION, SYNDROMAL, WITH INTERMITTENT HYPERVENTILATION. Identifiers: Orphanet 2896, MedGen C1970431, MONDO:0012589, OMIM 610954.

Submission:

Labcorp Genetics (formerly Invitae), Labcorp
Classification: Pathogenic for Pitt-Hopkins syndrome. Last evaluated: 2022-10-19. Review status: criteria provided, single submitter. Criteria: Invitae Variant Classification Sherloc (09022015). Collection method: clinical testing. Allele origin: germline.
Comment: For these reasons, this variant has been classified as Pathogenic. This variant has not been reported in the literature in individuals affected with TCF4-related conditions. This variant is not present in population databases (gnomAD no frequency). This sequence change creates a premature translational stop signal (p.Gly416Alafs*9) in the TCF4 gene. It is expected to result in an absent or disrupted protein product. Loss-of-function variants in TCF4 are known to be pathogenic (PMID: 18728071, 22045651).

Literature cited by the submitters: PubMed 18728071; PubMed 22045651.